The following is an entry in ClinVar:

NM_007294.4(BRCA1):c.1853G>A (p.Arg618Lys)

Gene: BRCA1 (BRCA1 DNA repair associated; minus strand). Cytogenetic location: 17q21.31.
Variant type: single nucleotide variant.
Coding change: c.1853G>A on transcript NM_007294.4 (MANE Select); coding-DNA position 1853, G replaced by A.
Protein change: p.Arg618Lys; replaces arginine 618 with lysine.
Molecular consequence: missense variant. On other transcripts: intron variant (137).
Genome position (GRCh38, 1-based): chr17:43,093,678, C>T on the plus strand (G>A on the coding strand, the complement: BRCA1 is on the minus strand). VCF-style: chr17-43093678-C-T. GRCh37 (hg19) VCF-style: chr17-41245695-C-T.
Other names: c.1640G>A, p.Arg547Lys (NM_001407571.1, NM_001407853.1, NM_001407894.1 and 9 more transcripts); c.1853G>A, p.Arg618Lys (NM_001407581.1, NM_001407582.1, NM_001407583.1 and 30 more transcripts); c.1850G>A, p.Arg617Lys (NM_001407587.1, NM_001407590.1, NM_001407591.1 and 22 more transcripts); c.1844G>A, p.Arg615Lys (NM_001407646.1, NM_001407647.1); c.1730G>A, p.Arg577Lys (NM_001407648.1, NM_001407664.1, NM_001407665.1 and 19 more transcripts); c.1727G>A, p.Arg576Lys (NM_001407649.1, NM_001407670.1, NM_001407671.1 and 11 more transcripts); c.1775G>A, p.Arg592Lys (NM_001407653.1, NM_001407654.1, NM_001407655.1 and 4 more transcripts); c.1772G>A, p.Arg591Lys (NM_001407659.1, NM_001407660.1, NM_001407661.1 and 1 more transcripts); and 40 more; short protein forms R618K, R571K, R450K, R506K, R570K, R617K, R322K, R490K.
Identifiers: ClinVar variation 232057 (VCV000232057.18), dbSNP rs876659527, ClinGen allele CA10580646.
Genomic context (GRCh38, chr17:43,093,678, plus strand): 5'-TCAGTACAATTAGGTGGGCTTAGATTTCTACTGACTACTAGTTCAAGCGCATGAATATGC[C>T]TGGTAGAAGACTTCCTCCTCAGCCTATTCTTTTTAGGTGCTTTTGAATTGTGGATATTTA-3'
Protein context (NP_009225.1, residues 608-628): KNRLRRKSST[Arg618Lys]HIHALELVVS

ClinVar aggregate classification (germline): Conflicting classifications of pathogenicity. Review status: criteria provided, conflicting classifications (1 of 4 stars). 4 submissions from 4 submitters: Uncertain significance (3); Likely benign (1). Last evaluated 2024-11-15.

Conditions:
Hereditary cancer-predisposing syndrome. Also called: Neoplastic Syndromes, Hereditary; Tumor predisposition; Hereditary Cancer Syndrome; Hereditary neoplastic syndrome. Identifiers: Orphanet 140162, MedGen C0027672, MeSH D009386, MONDO:0015356.
Hereditary breast ovarian cancer syndrome. Also called: BRCA1- and BRCA2-Associated Hereditary Breast and Ovarian Cancer; Hereditary breast and ovarian cancer syndrome; Hereditary breast and ovarian cancer; Hereditary breast and ovarian cancer syndrome (HBOC); Breast and ovarian cancer; Hereditary breast and/or ovarian cancer syndrome. Identifiers: Orphanet 145, MedGen C0677776, MeSH D061325, MONDO:0003582. Disease mechanism: loss of function.

Submissions (4):

Labcorp Genetics (formerly Invitae), Labcorp
Classification: Uncertain significance for Hereditary breast ovarian cancer syndrome. Last evaluated: 2024-11-15. Review status: criteria provided, single submitter. Criteria: Invitae Variant Classification Sherloc (09022015). Collection method: clinical testing. Allele origin: germline.
Comment: This sequence change replaces arginine, which is basic and polar, with lysine, which is basic and polar, at codon 618 of the BRCA1 protein (p.Arg618Lys). This variant is not present in population databases (gnomAD no frequency). This missense change has been observed in individual(s) with personal or family history of breast and/or ovarian cancer (PMID: 31159747). ClinVar contains an entry for this variant (Variation ID: 232057). Invitae Evidence Modeling of protein sequence and biophysical properties (such as structural, functional, and spatial information, amino acid conservation, physicochemical variation, residue mobility, and thermodynamic stability) indicates that this missense variant is not expected to disrupt BRCA1 protein function with a negative predictive value of 80%. In summary, the available evidence is currently insufficient to determine the role of this variant in disease. Therefore, it has been classified as a Variant of Uncertain Significance.

University of Washington Department of Laboratory Medicine, University of Washington
Classification: Likely benign for Hereditary cancer-predisposing syndrome. Last evaluated: 2023-03-23. Review status: criteria provided, single submitter. Criteria: Dines et al. (Genet Med. 2020). Collection method: curation. Allele origin: germline.
Comment: Missense variant in a coldspot region where missense variants are very unlikely to be pathogenic (PMID:31911673).

BRCA1 coldspot (exon 11 using historical exon numbering). Reclassification based on statistical prior probability

GeneKor MSA
Classification: Uncertain significance for Hereditary cancer-predisposing syndrome. Last evaluated: 2018-08-01. Review status: criteria provided, single submitter. Criteria: ACMG Guidelines, 2015. Collection method: clinical testing. Allele origin: germline. Affected: yes.

Ambry Genetics
Classification: Uncertain significance for Hereditary cancer-predisposing syndrome. Last evaluated: 2015-05-24. Review status: criteria provided, single submitter. Criteria: Ambry Variant Classification Scheme 2023. Collection method: clinical testing. Allele origin: germline.
Comment: The p.R618K variant (also known as c.1853G>A and 1972G>A), located in coding exon 9 of the BRCA1 gene, results from a G to A substitution at nucleotide position 1853. The arginine at codon 618 is replaced by lysine, an amino acid with highly similar properties. This variant was not reported in population based cohorts in the following databases: Database of Single Nucleotide Polymorphisms (dbSNP), NHLBI Exome Sequencing Project (ESP), and 1000 Genomes Project. In the ESP, this variant was not observed in 6502 samples (13004 alleles) with coverage at this position. To date, this alteration has been detected with an allele frequency of approximately 0.001% (greater than 150,000 alleles tested) in our clinical cohort. This amino acid position is well conserved in available vertebrate species. In addition, the in silico prediction for this alteration is inconclusive. Since supporting evidence is limited at this time, the clinical significance of p.R618K remains unclear.

Literature cited by the submitters: PubMed 31159747 (cited by Labcorp Genetics (formerly Invitae), Labcorp).